The following is an entry in ClinVar:

NM_001387430.1(SH2B1):c.744G>C (p.Gln248His)

Gene: SH2B1 (SH2B adaptor protein 1; plus strand). Cytogenetic location: 16p11.2.
Variant type: single nucleotide variant.
Coding change: c.744G>C on transcript NM_001387430.1 (MANE Select); coding-DNA position 744, G replaced by C.
Protein change: p.Gln248His; replaces glutamine 248 with histidine.
Molecular consequence: missense variant. On other transcripts: intron variant (1).
Genome position (GRCh38, 1-based): chr16:28,866,838, G>C. VCF-style: chr16-28866838-G-C. GRCh37 (hg19) VCF-style: chr16-28878159-G-C.
Other names: c.744G>C, p.Gln248His (NM_001145795.2, NM_001145796.2, NM_001145797.2 and 4 more transcripts); c.-26-536G>C (NM_001308294.2); short protein forms Q248H.
Identifiers: ClinVar variation 4996659 (VCV004996659.1).

ClinVar aggregate classification (germline): Uncertain significance (1 of 4 stars; one submission).

Conditions:
SH2B1-related disorder. Also called: SH2B1-related condition.

Submission:

PreventionGenetics, part of Exact Sciences
Classification: Uncertain significance for SH2B1-related condition. Last evaluated: 2026-05-13. Review status: criteria provided, single submitter. Criteria: ACMG Guidelines, 2015. Collection method: clinical testing. Allele origin: germline.
Comment: The SH2B1 c.744G>C variant is predicted to result in the amino acid substitution p.Gln248His. To our knowledge, this variant has not been reported in the literature or in a large population database (gnomAD), indicating this variant is rare. At this time, the clinical significance of this variant is uncertain due to the absence of conclusive functional and genetic evidence.